The following is an entry in ClinVar:

ClinVar aggregate classification (germline): Uncertain significance. Review status: criteria provided, multiple submitters, no conflicts (2 of 4 stars). 5 submissions from 5 submitters: Uncertain significance (5). Last evaluated 2025-09-28.

Conditions:
Inborn genetic diseases. Identifiers: MedGen C0950123, MeSH D030342.
Charcot-Marie-Tooth disease type 2E (CMT2E). Also called: CHARCOT-MARIE-TOOTH DISEASE, AXONAL, TYPE 2E; CHARCOT-MARIE-TOOTH NEUROPATHY, TYPE 2E. Identifiers: Orphanet 99939, MedGen C1843225, MONDO:0011894, OMIM 607684.

Allele frequency attached by ClinVar (database versions not stated): ExAC 0.00004; gnomAD exomes 0.00005 and 0.00015; TOPMed 0.00009; gnomAD 0.00011; ESP Exome Variant Server 0.00025.

Submissions (5):

Ambry Genetics
Classification: Uncertain significance for Inborn genetic diseases. Last evaluated: 2025-09-28. Review status: criteria provided, single submitter. Criteria: Ambry Variant Classification Scheme 2023. Collection method: clinical testing. Allele origin: germline.

Labcorp Genetics (formerly Invitae), Labcorp
Classification: Uncertain significance for Charcot-Marie-Tooth disease type 2E. Last evaluated: 2025-03-17. Review status: criteria provided, single submitter. Criteria: Invitae Variant Classification Sherloc (09022015). Collection method: clinical testing. Allele origin: germline.
Comment: This sequence change replaces methionine, which is neutral and non-polar, with isoleucine, which is neutral and non-polar, at codon 193 of the NEFL protein (p.Met193Ile). This variant is present in population databases (rs367943135, gnomAD 0.009%). This missense change has been observed in individual(s) with hereditary motor neuropathy, but was not present in the individual's affected parent (PMID: 26392352). ClinVar contains an entry for this variant (Variation ID: 412299). Invitae Evidence Modeling of protein sequence and biophysical properties (such as structural, functional, and spatial information, amino acid conservation, physicochemical variation, residue mobility, and thermodynamic stability) indicates that this missense variant is not expected to disrupt NEFL protein function with a negative predictive value of 80%. In summary, the available evidence is currently insufficient to determine the role of this variant in disease. Therefore, it has been classified as a Variant of Uncertain Significance.

CeGaT Center for Human Genetics Tuebingen
Classification: Uncertain significance. Last evaluated: 2022-11-01. Review status: criteria provided, single submitter. Criteria: CeGaT Center For Human Genetics Tuebingen Variant Classification Criteria Version 2. Collection method: clinical testing. Allele origin: germline. Affected: yes. Observed: 4 variant alleles.

GeneDx
Classification: Uncertain significance. Last evaluated: 2022-09-22. Review status: criteria provided, single submitter. Criteria: GeneDx Variant Classification Process June 2021. Collection method: clinical testing. Allele origin: germline. Affected: yes.
Comment: In silico analysis supports that this missense variant does not alter protein structure/function; Has not been previously published as pathogenic or benign to our knowledge

Revvity Omics, Revvity
Classification: Uncertain significance. Last evaluated: 2021-04-30. Review status: criteria provided, single submitter. Criteria: ACMG Guidelines, 2015. Collection method: clinical testing. Allele origin: germline.

Literature cited by the submitters: PubMed 26392352 (cited by Labcorp Genetics (formerly Invitae), Labcorp).

NM_006158.5(NEFL):c.579G>A (p.Met193Ile)

Gene: NEFL (neurofilament light chain; minus strand). Cytogenetic location: 8p21.2.
Variant type: single nucleotide variant.
Coding change: c.579G>A on transcript NM_006158.5 (MANE Select); coding-DNA position 579, G replaced by A.
Protein change: p.Met193Ile; replaces methionine 193 with isoleucine.
Molecular consequence: missense variant.
Genome position (GRCh38, 1-based): chr8:24,955,937, C>T on the plus strand (G>A on the coding strand, the complement: NEFL is on the minus strand). VCF-style: chr8-24955937-C-T. GRCh37 (hg19) VCF-style: chr8-24813451-C-T.
Other names: c.579G>A (NM_006158.3); short protein forms M193I.
Identifiers: ClinVar variation 412299 (VCV000412299.56), dbSNP rs367943135, ClinGen allele CA4681475.